The following is an entry in ClinVar:

ClinVar aggregate classification (germline): Benign/Likely benign. Review status: criteria provided, multiple submitters, no conflicts (2 of 4 stars). 5 submissions from 5 submitters: Benign (1); Likely benign (4). Last evaluated 2026-01-12.

Allele frequency attached by ClinVar (database versions not stated): 1000 Genomes Project 30x 0.00062; TOPMed 0.00064; 1000 Genomes Project 0.00080; gnomAD 0.00121 and 0.00127; ESP Exome Variant Server 0.00139; gnomAD exomes 0.00145 and 0.00173; ExAC 0.00166.

Submissions (5):

Labcorp Genetics (formerly Invitae), Labcorp
Classification: Benign. Last evaluated: 2026-01-12. Review status: criteria provided, single submitter. Criteria: Invitae Variant Classification Sherloc (09022015). Collection method: clinical testing. Allele origin: germline.

Blueprint Genetics
Classification: Likely benign. Last evaluated: 2024-11-27. Review status: criteria provided, single submitter. Criteria: ACMG Guidelines, 2015. Collection method: clinical testing. Allele origin: germline.

CeGaT Center for Human Genetics Tuebingen
Classification: Likely benign. Last evaluated: 2022-05-01. Review status: criteria provided, single submitter. Criteria: CeGaT Center For Human Genetics Tuebingen Variant Classification Criteria Version 2. Collection method: clinical testing. Allele origin: germline. Affected: yes. Observed: 1 variant allele.
Comment: TBX6: BP4, BP7

Breakthrough Genomics
Classification: Likely benign. Review status: criteria provided, single submitter. Criteria: ACMG Guidelines, 2015. Collection method: not provided. Allele origin: germline. Inheritance: Autosomal recessive inheritance. Affected: yes.

PreventionGenetics, part of Exact Sciences
Classification: Likely benign. Review status: criteria provided, single submitter. Criteria: ACMG Guidelines, 2015. Collection method: clinical testing. Allele origin: germline.

NM_004608.4(TBX6):c.744C>T (p.Ser248=)

Gene: TBX6 (T-box transcription factor 6; minus strand). Cytogenetic location: 16p11.2.
Variant type: single nucleotide variant.
Coding change: c.744C>T on transcript NM_004608.4 (MANE Select); coding-DNA position 744, C replaced by T.
Protein change: p.Ser248=; no amino-acid change (serine 248 retained).
Molecular consequence: synonymous variant.
Genome position (GRCh38, 1-based): chr16:30,088,717, G>A on the plus strand (C>T on the coding strand, the complement: TBX6 is on the minus strand). VCF-style: chr16-30088717-G-A. GRCh37 (hg19) VCF-style: chr16-30100038-G-A.
Identifiers: ClinVar variation 259449 (VCV000259449.38), dbSNP rs140666098, ClinGen allele CA8001825.